The following is an entry in ClinVar:

NM_020778.5(ALPK3):c.4577C>A (p.Pro1526His)

Gene: ALPK3 (alpha kinase 3; plus strand). Cytogenetic location: 15q25.3.
Variant type: single nucleotide variant.
Coding change: c.4577C>A on transcript NM_020778.5 (MANE Select); coding-DNA position 4577, C replaced by A.
Protein change: p.Pro1526His; replaces proline 1526 with histidine.
Molecular consequence: missense variant.
Genome position (GRCh38, 1-based): chr15:84,864,519, C>A. VCF-style: chr15-84864519-C-A. GRCh37 (hg19) VCF-style: chr15-85407750-C-A.
Other names: short protein forms P1526H.
Identifiers: ClinVar variation 2745279 (VCV002745279.3), dbSNP rs758113429, ClinGen allele CA7710026.
Genomic context (GRCh38, chr15:84,864,519, plus strand): 5'-TGATCTACCGGCCTGCAAACAATATCCCATATGCTACCCTGGAGGAAGACCTGGGCAAGC[C>A]CCTGGAGTCTTACTGTTCTCGGGAATGGGGCTGTGCTGAGGCTCCGACAGCATCTGGCAG-3'
Protein context (NP_065829.4, residues 1516-1536): YATLEEDLGK[Pro1526His]LESYCSREWG

ClinVar aggregate classification (germline): Uncertain significance (1 of 4 stars; one submission).

Allele frequency attached by ClinVar (database versions not stated): ExAC 0.00001.

Submission:

Labcorp Genetics (formerly Invitae), Labcorp
Classification: Uncertain significance. Last evaluated: 2024-11-21. Review status: criteria provided, single submitter. Criteria: Invitae Variant Classification Sherloc (09022015). Collection method: clinical testing. Allele origin: germline.
Comment: This sequence change replaces proline, which is neutral and non-polar, with histidine, which is basic and polar, at codon 1728 of the ALPK3 protein (p.Pro1728His). This variant is present in population databases (rs758113429, gnomAD 0.002%). This variant has not been reported in the literature in individuals affected with ALPK3-related conditions. ClinVar contains an entry for this variant (Variation ID: 2745279). Invitae Evidence Modeling of protein sequence and biophysical properties (such as structural, functional, and spatial information, amino acid conservation, physicochemical variation, residue mobility, and thermodynamic stability) indicates that this missense variant is expected to disrupt ALPK3 protein function with a positive predictive value of 80%. In summary, the available evidence is currently insufficient to determine the role of this variant in disease. Therefore, it has been classified as a Variant of Uncertain Significance.